The following is an entry in ClinVar:

NM_020822.3(KCNT1):c.416C>T (p.Pro139Leu)

Gene: KCNT1 (potassium sodium-activated channel subfamily T member 1; plus strand). Cytogenetic location: 9q34.3.
Variant type: single nucleotide variant.
Coding change: c.416C>T on transcript NM_020822.3 (MANE Select); coding-DNA position 416, C replaced by T.
Protein change: p.Pro139Leu; replaces proline 139 with leucine.
Molecular consequence: missense variant.
Genome position (GRCh38, 1-based): chr9:135,751,023, C>T. VCF-style: chr9-135751023-C-T. GRCh37 (hg19) VCF-style: chr9-138642869-C-T.
Other names: c.272C>T, p.Pro91Leu (NM_001272003.2); short protein forms P91L, P139L.
Identifiers: ClinVar variation 2150439 (VCV002150439.4), dbSNP rs751504173, ClinGen allele CA5326403.

ClinVar aggregate classification (germline): Uncertain significance (1 of 4 stars; one submission).

Conditions:
Autosomal dominant nocturnal frontal lobe epilepsy 5. Also called: Epilepsy, nocturnal frontal lobe, 5; KCNT1-Related Epilepsy; CILIARY DYSKINESIA, PRIMARY, 28, WITHOUT SITUS INVERSUS; CILIARY DYSKINESIA, PRIMARY, 28, WITH SITUS INVERSUS. Identifiers: Orphanet 98784, MedGen C3554306, MONDO:0014002, OMIM 615005.
Developmental and epileptic encephalopathy, 14 (DEE14). Also called: Early infantile epileptic encephalopathy 14. Identifiers: Orphanet 293181, MedGen C3554195, MONDO:0013989, OMIM 614959.

Allele frequency attached by ClinVar (database versions not stated): ExAC 0.00001; gnomAD 0.00001; gnomAD exomes 0.00001.
gnomAD v4.1: 4 of 1,611,488 alleles (0.00025%); highest among the groups gnomAD compares: African/African-American, 0.0013%; no homozygotes.

Submission:

Labcorp Genetics (formerly Invitae), Labcorp
Classification: Uncertain significance for Autosomal dominant nocturnal frontal lobe epilepsy 5; Developmental and epileptic encephalopathy, 14. Last evaluated: 2023-06-09. Review status: criteria provided, single submitter. Criteria: Invitae Variant Classification Sherloc (09022015). Collection method: clinical testing. Allele origin: germline.
Comment: In summary, the available evidence is currently insufficient to determine the role of this variant in disease. Therefore, it has been classified as a Variant of Uncertain Significance. Advanced modeling of protein sequence and biophysical properties (such as structural, functional, and spatial information, amino acid conservation, physicochemical variation, residue mobility, and thermodynamic stability) performed at Invitae indicates that this missense variant is not expected to disrupt KCNT1 protein function. ClinVar contains an entry for this variant (Variation ID: 2150439). This variant has not been reported in the literature in individuals affected with KCNT1-related conditions. This variant is present in population databases (rs751504173, gnomAD 0.004%). This sequence change replaces proline, which is neutral and non-polar, with leucine, which is neutral and non-polar, at codon 139 of the KCNT1 protein (p.Pro139Leu).